The following is an entry in ClinVar:

NM_000277.3(PAH):c.1166del (p.Ala389fs)

Gene: PAH (phenylalanine hydroxylase; minus strand). Cytogenetic location: 12q23.2.
Variant type: Deletion.
Coding change: c.1166del on transcript NM_000277.3 (MANE Select); coding-DNA position 1166, one base deleted (C; older notation c.1166delC).
Protein change: p.Ala389fs; shifts the reading frame from alanine 389.
Molecular consequence: frameshift variant.
Genome position (GRCh38, 1-based): chr12:102,843,679, G deleted on the plus strand (C on the coding strand, the reverse complement: PAH is on the minus strand). VCF-style (leftmost placement, unchanged base first): chr12-102843678-TG-T. GRCh37 (hg19) VCF-style: chr12-103237456-TG-T.
Other names: c.1166del, p.Ala389fs (NM_001354304.2); c.1166delC (NM_000277.2); short protein forms A389fs.
Identifiers: ClinVar variation 102543 (VCV000102543.8), dbSNP rs62506949, ClinGen allele CA229368.

ClinVar aggregate classification (germline): Pathogenic. Review status: reviewed by expert panel (3 of 4 stars). 5 submissions from 5 submitters: Pathogenic (1). 4 of the submissions do not count toward it. Last evaluated 2020-10-29.

Conditions:
Phenylketonuria (PKU). Also called: Phenylketonuria (PKU); FOLLING DISEASE; OLIGOPHRENIA PHENYLPYRUVICA; Phenylketonurias. Identifiers: Orphanet 716, MedGen C0031485, MONDO:0009861, OMIM 261600. Disease mechanism: loss of function.

Submissions (5):

ClinGen PAH Variant Curation Expert Panel
Classification: Pathogenic for Phenylketonuria. Last evaluated: 2020-10-29. Review status: reviewed by expert panel. Criteria: ClinGen PAH ACMG Specifications v1. Collection method: curation. Allele origin: germline. Inheritance: Autosomal recessive inheritance.
Comment: The c.1166del (p.Ala389fs) variant in PAH has been detected in 1 patient with PKU, Phe = 1045umol/L; BH4 deficiency not excluded (PMID: 25323746; PP4). This variant is absent from population databases (PM2), and is a variant predicted to undergo NMD, not located in last exon or last 50bp of preliminary exon. Coding exon number 11 out of 13 coding exons (11 out of total exons) (PVS1). In summary, this variant meets criteria to be classified as pathogenic for PAH. PAH-specific ACMG/AMP criteria applied: PVS1, PM2, PP4.

Natera, Inc.
Classification: Likely pathogenic for Phenylketonuria. Last evaluated: 2024-04-17. Review status: criteria provided, single submitter. Criteria: Natera Variant Classification Schema (03/2026). Collection method: clinical testing. Allele origin: germline. Not counted in ClinVar's aggregate classification.
Comment: The c.1166delC variant in PAH is a frameshift variant predicted to shift the reading frame beginning at codon 389 and leads to a stop codon 11 codons downstream. This variant is expected to result in nonsense mediated decay, truncation, or a dysfunctional protein product. This variant is rare in the general population with a frequency below the threshold expected for the associated phenotype(s). Given the available evidence, this variant is classified as Likely Pathogenic.

Labcorp Genetics (formerly Invitae), Labcorp
Classification: Pathogenic for Phenylketonuria. Last evaluated: 2023-10-04. Review status: criteria provided, single submitter. Criteria: Invitae Variant Classification Sherloc (09022015). Collection method: clinical testing. Allele origin: germline. Not counted in ClinVar's aggregate classification.
Comment: This sequence change creates a premature translational stop signal (p.Ala389Glufs*11) in the PAH gene. It is expected to result in an absent or disrupted protein product. Loss-of-function variants in PAH are known to be pathogenic (PMID: 1301187, 9634518). This variant is not present in population databases (gnomAD no frequency). This variant has not been reported in the literature in individuals affected with PAH-related conditions. ClinVar contains an entry for this variant (Variation ID: 102543). For these reasons, this variant has been classified as Pathogenic.

Counsyl
Classification: Likely pathogenic for Phenylketonuria. Last evaluated: 2017-09-20. Review status: no assertion criteria provided. Collection method: clinical testing. Allele origin: unknown. Not counted in ClinVar's aggregate classification.

DeBelle Laboratory for Biochemical Genetics, MUHC/MCH RESEARCH INSTITUTE
No classification provided. Review status: no classification provided. Collection method: not provided. Allele origin: not provided. Not counted in ClinVar's aggregate classification.

Literature cited by the submitters: PubMed 25323746 (cited by ClinGen PAH Variant Curation Expert Panel); PubMed 1301187 (cited by Labcorp Genetics (formerly Invitae), Labcorp); PubMed 9634518 (cited by Labcorp Genetics (formerly Invitae), Labcorp); PubMed 23220018 (cited by Counsyl); PubMed 24939588 (cited by Counsyl).